The following is an entry in ClinVar:

ClinVar aggregate classification (germline): Uncertain significance (0 of 4 stars; one submission).

Conditions:
RFX7-related disorder. Also called: RFX7-related condition.

Submission:

PreventionGenetics, part of Exact Sciences
Classification: Uncertain significance for RFX7-related condition. Last evaluated: 2024-04-18. Review status: no assertion criteria provided. Collection method: clinical testing. Allele origin: germline.
Comment: The RFX7 c.847C>G variant is predicted to result in the amino acid substitution p.Pro283Ala. To our knowledge, this variant has not been reported in the literature or in a large population database, indicating this variant is rare. At this time, the clinical significance of this variant is uncertain due to the absence of conclusive functional and genetic evidence.

NM_022841.7(RFX7):c.847C>G (p.Pro283Ala)

Gene: RFX7 (regulatory factor X7; minus strand). Cytogenetic location: 15q21.3.
Variant type: single nucleotide variant.
Coding change: c.847C>G on transcript NM_022841.7 (MANE Select); coding-DNA position 847, C replaced by G.
Protein change: p.Pro283Ala; replaces proline 283 with alanine.
Molecular consequence: missense variant.
Genome position (GRCh38, 1-based): chr15:56,098,341, G>C on the plus strand (C>G on the coding strand, the complement: RFX7 is on the minus strand). VCF-style: chr15-56098341-G-C. GRCh37 (hg19) VCF-style: chr15-56390539-G-C.
Other names: c.556C>G, p.Pro186Ala (NM_001368073.2, NM_001368074.1, NM_001370554.1); c.847C>G, p.Pro283Ala (NM_001370561.1); short protein forms P186A, P283A.
Identifiers: ClinVar variation 3348986 (VCV003348986.1).